The following is an entry in ClinVar:

ClinVar aggregate classification (germline): Likely benign. Review status: criteria provided, multiple submitters, no conflicts (2 of 4 stars). 3 submissions from 3 submitters: Likely benign (3). Last evaluated 2026-01-18.

Allele frequency attached by ClinVar (database versions not stated): gnomAD exomes below 0.00001 and 0.00001; TOPMed 0.00002; ESP Exome Variant Server 0.00008.
gnomAD v4.1: 16 of 1,614,020 alleles (0.00099%); highest among the groups gnomAD compares: Non-Finnish European, 0.0014%; no homozygotes.

Submissions (3):

Labcorp Genetics (formerly Invitae), Labcorp
Classification: Likely benign. Last evaluated: 2026-01-18. Review status: criteria provided, single submitter. Criteria: Invitae Variant Classification Sherloc (09022015). Collection method: clinical testing. Allele origin: germline.

Mayo Clinic Laboratories, Mayo Clinic
Classification: Likely benign. Last evaluated: 2025-09-30. Review status: criteria provided, single submitter. Criteria: ACMG Guidelines, 2015. Collection method: clinical testing. Allele origin: germline. Observed: 1 variant allele.
Comment: BP4, BP7

Blueprint Genetics
Classification: Likely benign. Last evaluated: 2022-09-28. Review status: criteria provided, single submitter. Criteria: ACMG Guidelines, 2015. Collection method: clinical testing. Allele origin: germline.

NM_001386140.1(MTTP):c.2526A>G (p.Lys842=)

Gene: MTTP (microsomal triglyceride transfer protein; plus strand). Cytogenetic location: 4q23.
Variant type: single nucleotide variant.
Coding change: c.2526A>G on transcript NM_001386140.1 (MANE Select); coding-DNA position 2526, A replaced by G.
Protein change: p.Lys842=; no amino-acid change (lysine 842 retained).
Molecular consequence: synonymous variant.
Genome position (GRCh38, 1-based): chr4:99,622,689, A>G. VCF-style: chr4-99622689-A-G. GRCh37 (hg19) VCF-style: chr4-100543846-A-G.
Other names: p.Lys842=; c.2526A>G, p.Lys842= (NM_000253.4); c.2277A>G, p.Lys759= (NM_001300785.2).
Identifiers: ClinVar variation 762987 (VCV000762987.11), dbSNP rs142831872, ClinGen allele CA102652244.